The following is an entry in ClinVar:

ClinVar aggregate classification (germline): Uncertain significance (1 of 4 stars; one submission).

Conditions:
Myopathy, centronuclear, 2 (CNM2). Also called: MYOTUBULAR MYOPATHY, AUTOSOMAL RECESSIVE. Identifiers: Orphanet 169186, MedGen CN031787, MONDO:0009709, OMIM 255200.

Submission:

Labcorp Genetics (formerly Invitae), Labcorp
Classification: Uncertain significance for Myopathy, centronuclear, 2. Last evaluated: 2024-11-11. Review status: criteria provided, single submitter. Criteria: Invitae Variant Classification Sherloc (09022015). Collection method: clinical testing. Allele origin: germline.
Comment: This sequence change replaces glycine, which is neutral and non-polar, with glutamic acid, which is acidic and polar, at codon 382 of the BIN1 protein (p.Gly382Glu). This variant is not present in population databases (gnomAD no frequency). This variant has not been reported in the literature in individuals affected with BIN1-related conditions. ClinVar contains an entry for this variant (Variation ID: 1913621). An algorithm developed to predict the effect of missense changes on protein structure and function (PolyPhen-2) suggests that this variant is likely to be tolerated. In summary, the available evidence is currently insufficient to determine the role of this variant in disease. Therefore, it has been classified as a Variant of Uncertain Significance.

NM_139343.3(BIN1):c.1145G>A (p.Gly382Glu)

Gene: BIN1 (bridging integrator 1; minus strand). Cytogenetic location: 2q14.3.
Variant type: single nucleotide variant.
Coding change: c.1145G>A on transcript NM_139343.3 (MANE Select); coding-DNA position 1145, G replaced by A.
Protein change: p.Gly382Glu; replaces glycine 382 with glutamic acid.
Molecular consequence: missense variant. On other transcripts: intron variant (12).
Genome position (GRCh38, 1-based): chr2:127,053,999, C>T on the plus strand (G>A on the coding strand, the complement: BIN1 is on the minus strand). VCF-style: chr2-127053999-C-T. GRCh37 (hg19) VCF-style: chr2-127811575-C-T.
Other names: c.1052G>A, p.Gly351Glu (NM_001320641.2); c.1064G>A, p.Gly355Glu (NM_001320642.1); c.1016G>A, p.Gly339Glu (NM_139344.3); c.838-3087G>A (NM_001320634.1); c.910-3087G>A (NM_139351.3); c.910-2756G>A (NM_139350.3); c.910-1637G>A (NM_139349.3); c.1039-2756G>A (NM_139348.3); and 7 more; short protein forms G339E, G351E, G382E, G355E.
Identifiers: ClinVar variation 1913621 (VCV001913621.5), dbSNP rs1426536874, ClinGen allele CA348377176.